The following is an entry in ClinVar:

NM_000421.5(KRT10):c.1379G>A (p.Gly460Glu)

Genes: KRT10 (keratin 10; minus strand), KRT10-AS1 (KRT10 antisense RNA 1; plus strand). Cytogenetic location: 17q21.2.
Variant type: single nucleotide variant.
Coding change: c.1379G>A on transcript NM_000421.5 (MANE Select); coding-DNA position 1379, G replaced by A.
Protein change: p.Gly460Glu; replaces glycine 460 with glutamic acid.
Molecular consequence: missense variant. On other transcripts: non-coding transcript variant (2).
Genome position (GRCh38, 1-based): chr17:40,819,156, C>T on the plus strand (G>A on the coding strand, the complement: KRT10 is on the minus strand). VCF-style: chr17-40819156-C-T. GRCh37 (hg19) VCF-style: chr17-38975408-C-T.
Other names: c.1379G>A, p.Gly460Glu (NM_001379366.1); short protein forms G460E.
Identifiers: ClinVar variation 2908882 (VCV002908882.3), dbSNP rs773382605, ClinGen allele CA8548054.

ClinVar aggregate classification (germline): Uncertain significance (1 of 4 stars; one submission).

Allele frequency attached by ClinVar (database versions not stated): gnomAD 0.00001; gnomAD exomes 0.00003; TOPMed 0.00005; ExAC 0.00010.

Submission:

Labcorp Genetics (formerly Invitae), Labcorp
Classification: Uncertain significance. Last evaluated: 2023-07-20. Review status: criteria provided, single submitter. Criteria: Invitae Variant Classification Sherloc (09022015). Collection method: clinical testing. Allele origin: germline.
Comment: In summary, the available evidence is currently insufficient to determine the role of this variant in disease. Therefore, it has been classified as a Variant of Uncertain Significance. Advanced modeling of protein sequence and biophysical properties (such as structural, functional, and spatial information, amino acid conservation, physicochemical variation, residue mobility, and thermodynamic stability) performed at Invitae indicates that this missense variant is not expected to disrupt KRT10 protein function. This variant has not been reported in the literature in individuals affected with KRT10-related conditions. This variant is present in population databases (rs773382605, gnomAD 0.04%). This sequence change replaces glycine, which is neutral and non-polar, with glutamic acid, which is acidic and polar, at codon 460 of the KRT10 protein (p.Gly460Glu).